The following is an entry in ClinVar:

ClinVar aggregate classification (germline): Uncertain significance. Review status: criteria provided, multiple submitters, no conflicts (2 of 4 stars). 2 submissions from 2 submitters: Uncertain significance (2). Last evaluated 2025-09-23.

Conditions:
Neuropathy, hereditary sensory and autonomic, type 2A (HSAN2A). Also called: ACROOSTEOLYSIS, GIACCAI TYPE; ACROOSTEOLYSIS, NEUROGENIC; MORVAN DISEASE; NEUROPATHY, CONGENITAL SENSORY; NEUROPATHY, HEREDITARY SENSORY RADICULAR, AUTOSOMAL RECESSIVE; NEUROPATHY, HEREDITARY SENSORY, TYPE IIA. Identifiers: Orphanet 970, MedGen C2752089, MONDO:0024309, OMIM 201300.
Generalized epilepsy with febrile seizures plus, type 7 (GEFSP7). Also called: GEFS+, TYPE 7. Identifiers: Orphanet 36387, MedGen C2751778, MONDO:0013470, OMIM 613863.
Inborn genetic diseases. Identifiers: MedGen C0950123, MeSH D030342.

Submissions (2):

Labcorp Genetics (formerly Invitae), Labcorp
Classification: Uncertain significance for Neuropathy, hereditary sensory and autonomic, type 2A; Generalized epilepsy with febrile seizures plus, type 7. Last evaluated: 2025-09-23. Review status: criteria provided, single submitter. Criteria: Invitae Variant Classification Sherloc (09022015). Collection method: clinical testing. Allele origin: germline.
Comment: This sequence change replaces phenylalanine, which is neutral and non-polar, with serine, which is neutral and polar, at codon 1186 of the SCN9A protein (p.Phe1186Ser). This variant is not present in population databases (gnomAD no frequency). This variant has not been reported in the literature in individuals affected with SCN9A-related conditions. ClinVar contains an entry for this variant (Variation ID: 1732646). Invitae Evidence Modeling of protein sequence and biophysical properties (such as structural, functional, and spatial information, amino acid conservation, physicochemical variation, residue mobility, and thermodynamic stability) indicates that this missense variant is not expected to disrupt SCN9A protein function with a negative predictive value of 80%. In summary, the available evidence is currently insufficient to determine the role of this variant in disease. Therefore, it has been classified as a Variant of Uncertain Significance.

Ambry Genetics
Classification: Uncertain significance for Inborn genetic diseases. Last evaluated: 2021-06-12. Review status: criteria provided, single submitter. Criteria: Ambry Variant Classification Scheme 2023. Collection method: clinical testing. Allele origin: germline.
Comment: The p.F1186S variant (also known as c.3557T>C), located in coding exon 18 of the SCN9A gene, results from a T to C substitution at nucleotide position 3557. The phenylalanine at codon 1186 is replaced by serine, an amino acid with highly dissimilar properties. This amino acid position is conserved. In addition, this alteration is predicted to be deleterious by in silico analysis. Since supporting evidence is limited at this time, the clinical significance of this alteration remains unclear.

NM_001365536.1(SCN9A):c.3590T>C (p.Phe1197Ser)

Genes: SCN9A (sodium voltage-gated channel alpha subunit 9; minus strand), SCN1A-AS1 (SCN1A and SCN9A antisense RNA 1; plus strand). Cytogenetic location: 2q24.3.
Variant type: single nucleotide variant.
Coding change: c.3590T>C on transcript NM_001365536.1 (MANE Select); coding-DNA position 3590, T replaced by C.
Protein change: p.Phe1197Ser; replaces phenylalanine 1197 with serine.
Molecular consequence: missense variant.
Genome position (GRCh38, 1-based): chr2:166,242,539, A>G on the plus strand (T>C on the coding strand, the complement: SCN9A is on the minus strand). VCF-style: chr2-166242539-A-G. GRCh37 (hg19) VCF-style: chr2-167099049-A-G.
Other names: c.3557T>C, p.Phe1186Ser (NM_002977.4); short protein forms F1186S, F1197S.
Identifiers: ClinVar variation 1732646 (VCV001732646.3), dbSNP rs2467868289, ClinGen allele CA349070140.